The following is an entry in ClinVar:

ClinVar aggregate classification (germline): Likely benign (1 of 4 stars; one submission).

Submission:

CeGaT Center for Human Genetics Tuebingen
Classification: Likely benign. Last evaluated: 2022-10-01. Review status: criteria provided, single submitter. Criteria: CeGaT Center For Human Genetics Tuebingen Variant Classification Criteria Version 2. Collection method: clinical testing. Allele origin: germline. Affected: yes. Observed: 1 variant allele.
Comment: NLRP5: PM2:Supporting, BP4, BP7

NC_000019.10:g.56027859G>A

Gene: NLRP5 (NLR family pyrin domain containing 5; plus strand). Cytogenetic location: 19q13.43.
Variant type: single nucleotide variant.
Genome position: GRCh38 VCF-style: chr19-56027859-G-A. GRCh37 (hg19) VCF-style: chr19-56539225-G-A.
Identifiers: ClinVar variation 2650553 (VCV002650553.24), dbSNP rs2514453979, ClinGen allele CA509223196.